The following is an entry in ClinVar:

NM_000552.5(VWF):c.4876G>T (p.Val1626Leu)

Gene: VWF (von Willebrand factor; minus strand). Cytogenetic location: 12p13.31.
Variant type: single nucleotide variant.
Coding change: c.4876G>T on transcript NM_000552.5 (MANE Select); coding-DNA position 4876, G replaced by T.
Protein change: p.Val1626Leu; replaces valine 1626 with leucine.
Molecular consequence: missense variant.
Genome position (GRCh38, 1-based): chr12:6,018,542, C>A on the plus strand (G>T on the coding strand, the complement: VWF is on the minus strand). VCF-style: chr12-6018542-C-A. GRCh37 (hg19) VCF-style: chr12-6127708-C-A.
Other names: short protein forms V1626L.
Identifiers: ClinVar variation 3572170 (VCV003572170.1).
Genomic context (GRCh38, chr12:6,018,542, plus strand): 5'-TGGGCCAGCCAATCCTCTCCAGCTCCTGCACGTTGGCATTAGGGCCCACTCCAATGGGCA[C>A]CACCTGGATGTCTCCAGGCAGCCTCTTGATCTCATCAGAGGCAGGATTTCCGGTGACCAT-3'
Protein context (NP_000543.3, residues 1616-1636): IKRLPGDIQV[Val1626Leu]PIGVGPNANV

ClinVar aggregate classification (germline): Uncertain significance (1 of 4 stars; one submission).

gnomAD v4.1: 2 of 1,613,866 alleles (0.00012%); highest among the groups gnomAD compares: Non-Finnish European, 0.00017%; no homozygotes.

Submission:

Quest Diagnostics Nichols Institute San Juan Capistrano
Classification: Uncertain significance. Last evaluated: 2024-09-02. Review status: criteria provided, single submitter. Criteria: Quest Diagnostics criteria. Collection method: clinical testing. Allele origin: unknown.
Comment: The VWF c.4876G>T (p.Val1626Leu) variant has not been reported in individuals with VWF-related conditions in the published literature. The frequency of this variant in the general population, 0.000004 (1/251316 chromosomes (Genome Aggregation Database)), is uninformative in the assessment of its pathogenicity. Analysis of this variant using bioinformatics tools for the prediction of the effect of amino acid changes on protein structure and function yielded predictions that this variant is benign. Based on the available information, we are unable to determine the clinical significance of this variant.